The following is an entry in ClinVar:

ClinVar aggregate classification (germline): Uncertain significance (1 of 4 stars; one submission).

Allele frequency attached by ClinVar (database versions not stated): gnomAD exomes 0.00001.
gnomAD v4.1: 7 of 1,526,418 alleles (0.00046%); highest among the groups gnomAD compares: Non-Finnish European, 0.00062%; no homozygotes.

Submission:

Labcorp Genetics (formerly Invitae), Labcorp
Classification: Uncertain significance. Last evaluated: 2023-07-08. Review status: criteria provided, single submitter. Criteria: Invitae Variant Classification Sherloc (09022015). Collection method: clinical testing. Allele origin: germline.
Comment: In summary, the available evidence is currently insufficient to determine the role of this variant in disease. Therefore, it has been classified as a Variant of Uncertain Significance. Advanced modeling of protein sequence and biophysical properties (such as structural, functional, and spatial information, amino acid conservation, physicochemical variation, residue mobility, and thermodynamic stability) performed at Invitae indicates that this missense variant is not expected to disrupt KMT2B protein function. This variant has not been reported in the literature in individuals affected with KMT2B-related conditions. This variant is not present in population databases (gnomAD no frequency). This sequence change replaces alanine, which is neutral and non-polar, with valine, which is neutral and non-polar, at codon 638 of the KMT2B protein (p.Ala638Val).

NM_014727.3(KMT2B):c.1913C>T (p.Ala638Val)

Gene: KMT2B (lysine methyltransferase 2B; plus strand). Cytogenetic location: 19q13.12.
Variant type: single nucleotide variant.
Coding change: c.1913C>T on transcript NM_014727.3 (MANE Select); coding-DNA position 1913, C replaced by T.
Protein change: p.Ala638Val; replaces alanine 638 with valine.
Molecular consequence: missense variant.
Genome position (GRCh38, 1-based): chr19:35,721,260, C>T. VCF-style: chr19-35721260-C-T. GRCh37 (hg19) VCF-style: chr19-36212162-C-T.
Other names: short protein forms A638V.
Identifiers: ClinVar variation 2831075 (VCV002831075.3), dbSNP rs2513317388, ClinGen allele CA405394714.